The following is an entry in ClinVar:

ClinVar aggregate classification (germline): Likely pathogenic (1 of 4 stars; one submission).

Conditions:
Autosomal recessive limb-girdle muscular dystrophy type 2X (LGMDR25). Also called: Muscular dystrophy, limb-girdle, type 2X. Identifiers: Orphanet 476084, MedGen C5568138, MONDO:0014782, OMIM 616812.

Allele frequency attached by ClinVar (database versions not stated): ExAC 0.00002.

Submission:

Women's Health and Genetics/Laboratory Corporation of America, LabCorp
Classification: Likely pathogenic for Autosomal recessive limb-girdle muscular dystrophy type 2X. Last evaluated: 2022-10-04. Review status: criteria provided, single submitter. Criteria: LabCorp Variant Classification Summary - May 2015. Collection method: clinical testing. Allele origin: germline.
Comment: Variant summary: BVES c.518dupT (p.Ser174GlufsX19) results in a premature termination codon, predicted to cause a truncation of the encoded protein or absence of the protein due to nonsense mediated decay, which are commonly known mechanisms for disease. The variant allele was found at a frequency of 8e-06 in 251420 control chromosomes (gnomAD). To our knowledge, no occurrence of c.518dupT in individuals affected with Autosomal Recessive Limb-Girdle Muscular Dystrophy Type 2X and no experimental evidence demonstrating its impact on protein function have been reported. No clinical diagnostic laboratories have submitted clinical-significance assessments for this variant to ClinVar after 2014. Based on the evidence outlined above, the variant was classified as likely pathogenic.

NM_001199563.2(POPDC1):c.518dup (p.Ser174fs)

Gene: POPDC1 (popeye domain cAMP effector 1; minus strand). Cytogenetic location: 6q21.
Variant type: Duplication.
Coding change: c.518dup on transcript NM_001199563.2 (MANE Select); coding-DNA position 518, one base duplicated (T; older notation c.518dupT).
Protein change: p.Ser174fs; shifts the reading frame from serine 174.
Molecular consequence: frameshift variant.
Genome position (GRCh38, 1-based): chr6:105,125,412, A duplicated on the plus strand (T on the coding strand, the reverse complement: POPDC1 is on the minus strand). VCF-style (leftmost placement, unchanged base first): chr6-105125411-C-CA. GRCh37 (hg19) VCF-style: chr6-105573286-C-CA.
Other names: c.518dup, p.Ser174fs (NM_007073.4, NM_147147.4); short protein forms S174fs.
Identifiers: ClinVar variation 1723441 (VCV001723441.1), dbSNP rs768248477, ClinGen allele CA3941050.